The following is an entry in ClinVar:

ClinVar aggregate classification (germline): Pathogenic (1 of 4 stars; one submission).

Submission:

GeneDx
Classification: Pathogenic. Last evaluated: 2023-11-08. Review status: criteria provided, single submitter. Criteria: GeneDx Variant Classification Process June 2021. Collection method: clinical testing. Allele origin: germline. Affected: yes.
Comment: Nonsense variant predicted to result in protein truncation, as the last 459 amino acids are lost, and other loss-of-function variants have been reported downstream in HGMD; Not observed at significant frequency in large population cohorts (gnomAD); Identified in a patient with autism and neurodevelopmental features in the published literature (PMID: 24531329, 29724491); This variant is associated with the following publications: (PMID: 29911927, 29724491, 24531329, 33004838)

NM_001282531.3(ADNP):c.1930C>T (p.Arg644Ter)

Gene: ADNP (activity dependent neuroprotector homeobox; minus strand). Cytogenetic location: 20q13.13.
Variant type: single nucleotide variant.
Coding change: c.1930C>T on transcript NM_001282531.3 (MANE Select); coding-DNA position 1930, C replaced by T.
Protein change: p.Arg644Ter; replaces arginine 644 with a stop codon.
Molecular consequence: nonsense.
Genome position (GRCh38, 1-based): chr20:50,892,784, G>A on the plus strand (C>T on the coding strand, the complement: ADNP is on the minus strand). VCF-style: chr20-50892784-G-A. GRCh37 (hg19) VCF-style: chr20-49509321-G-A.
Other names: c.1930C>T, p.Arg644Ter (NM_001282532.2, NM_001347511.2, NM_015339.5 and 1 more transcripts); short protein forms R644*.
Identifiers: ClinVar variation 3338846 (VCV003338846.1).